The following is an entry in ClinVar:

ClinVar aggregate classification (germline): Uncertain significance (1 of 4 stars; one submission).

Conditions:
Alstrom syndrome (ALMS). Identifiers: Orphanet 64, MedGen C0268425, MONDO:0008763, OMIM 203800.

gnomAD v4.1: 12 of 1,614,030 alleles (0.00074%); highest among the groups gnomAD compares: South Asian, 0.012%; no homozygotes.

Submission:

Labcorp Genetics (formerly Invitae), Labcorp
Classification: Uncertain significance for Alstrom syndrome. Last evaluated: 2021-08-26. Review status: criteria provided, single submitter. Criteria: Invitae Variant Classification Sherloc (09022015). Collection method: clinical testing. Allele origin: germline.
Comment: This sequence change replaces aspartic acid with glycine at codon 3307 of the ALMS1 protein (p.Asp3307Gly). The aspartic acid residue is highly conserved and there is a moderate physicochemical difference between aspartic acid and glycine. This variant is not present in population databases (ExAC no frequency). This variant has not been reported in the literature in individuals affected with ALMS1-related conditions. Experimental studies and prediction algorithms are not available or were not evaluated, and the functional significance of this variant is currently unknown. In summary, the available evidence is currently insufficient to determine the role of this variant in disease. Therefore, it has been classified as a Variant of Uncertain Significance.

NM_001378454.1(ALMS1):c.9917A>G (p.Asp3306Gly)

Gene: ALMS1 (ALMS1 centrosome and basal body associated protein; plus strand). Cytogenetic location: 2p13.1.
Variant type: single nucleotide variant.
Coding change: c.9917A>G on transcript NM_001378454.1 (MANE Select); coding-DNA position 9917, A replaced by G.
Protein change: p.Asp3306Gly; replaces aspartic acid 3306 with glycine.
Molecular consequence: missense variant.
Genome position (GRCh38, 1-based): chr2:73,550,276, A>G. VCF-style: chr2-73550276-A-G. GRCh37 (hg19) VCF-style: chr2-73777403-A-G.
Other names: c.9920A>G, p.Asp3307Gly (NM_015120.4); short protein forms D3306G, D3307G.
Identifiers: ClinVar variation 1462944 (VCV001462944.3), dbSNP rs746138259, ClinGen allele CA347271065.